The following is an entry in ClinVar:

ClinVar aggregate classification (germline): Uncertain significance (1 of 4 stars; one submission).

Conditions:
Osteopetrosis with renal tubular acidosis (OPTB3). Also called: Autosomal recessive osteopetrosis 3. Identifiers: Orphanet 2785, MedGen C0345407, MONDO:0009818, OMIM 259730.

Submission:

3billion
Classification: Uncertain significance for Osteopetrosis with renal tubular acidosis. Last evaluated: 2024-07-09. Review status: criteria provided, single submitter. Criteria: ACMG Guidelines, 2015. Collection method: clinical testing. Allele origin: germline. Affected: yes.
Comment: The variant is not observed in the gnomAD v4.0.0 dataset. Predicted Consequence/Location: Missense variant In silico tool predictions suggest damaging effect of the variant on gene or gene product [REVEL: 0.93 (>=0.6, sensitivity 0.68 and specificity 0.92); 3Cnet: 0.88 (>=0.6, sensitivity 0.72 and precision 0.9)]. Therefore, this variant is classified as VUS according to the recommendation of ACMG/AMP guideline.

NM_000067.3(CA2):c.288C>G (p.His96Gln)

Gene: CA2 (carbonic anhydrase 2; plus strand). Cytogenetic location: 8q21.2.
Variant type: single nucleotide variant.
Coding change: c.288C>G on transcript NM_000067.3 (MANE Select); coding-DNA position 288, C replaced by G.
Protein change: p.His96Gln; replaces histidine 96 with glutamine.
Molecular consequence: missense variant. On other transcripts: intron variant (1).
Genome position (GRCh38, 1-based): chr8:85,473,748, C>G. VCF-style: chr8-85473748-C-G. GRCh37 (hg19) VCF-style: chr8-86385977-C-G.
Other names: c.49-576C>G (NM_001293675.2); short protein forms H96Q.
Identifiers: ClinVar variation 4072255 (VCV004072255.1).